The following is an entry in ClinVar:

NM_004621.6(TRPC6):c.490G>A (p.Ala164Thr)

Gene: TRPC6 (transient receptor potential cation channel subfamily C member 6; minus strand). Cytogenetic location: 11q22.1.
Variant type: single nucleotide variant.
Coding change: c.490G>A on transcript NM_004621.6 (MANE Select); coding-DNA position 490, G replaced by A.
Protein change: p.Ala164Thr; replaces alanine 164 with threonine.
Molecular consequence: missense variant.
Genome position (GRCh38, 1-based): chr11:101,504,479, C>T on the plus strand (G>A on the coding strand, the complement: TRPC6 is on the minus strand). VCF-style: chr11-101504479-C-T. GRCh37 (hg19) VCF-style: chr11-101375210-C-T.
Other names: c.490G>A, p.Ala164Thr (NM_001439335.1); short protein forms A164T.
Identifiers: ClinVar variation 4695537 (VCV004695537.1).
Genomic context (GRCh38, chr11:101,504,479, plus strand): 5'-GATGACTGAGAATTGCTTCCACAATCCGAACATAACCTTTACTAATAGCTAGAAGCAAAG[C>T]ATCCCCAACTCGAGAGAGGTTTTCTTTCTTGAGAAGAAGTTCTGTAATTTCCAGATGCTC-3'
Protein context (NP_004612.2, residues 154-174): KKENLSRVGD[Ala164Thr]LLLAISKGYV

ClinVar aggregate classification (germline): Uncertain significance (1 of 4 stars; one submission).

gnomAD v4.1: 8 of 1,614,010 alleles (0.0005%); highest among the groups gnomAD compares: African/African-American, 0.0013%; no homozygotes.

Submission:

Labcorp Genetics (formerly Invitae), Labcorp
Classification: Uncertain significance. Last evaluated: 2025-09-10. Review status: criteria provided, single submitter. Criteria: Invitae Variant Classification Sherloc (09022015). Collection method: clinical testing. Allele origin: germline.
Comment: This sequence change replaces alanine, which is neutral and non-polar, with threonine, which is neutral and polar, at codon 164 of the TRPC6 protein (p.Ala164Thr). This variant is not present in population databases (gnomAD no frequency). This variant has not been reported in the literature in individuals affected with TRPC6-related conditions. Invitae Evidence Modeling of protein sequence and biophysical properties (such as structural, functional, and spatial information, amino acid conservation, physicochemical variation, residue mobility, and thermodynamic stability) has been performed for this missense variant. However, the output from this modeling did not meet the statistical confidence thresholds required to predict the impact of this variant on TRPC6 protein function. In summary, the available evidence is currently insufficient to determine the role of this variant in disease. Therefore, it has been classified as a Variant of Uncertain Significance.